The following is an entry in ClinVar:

ClinVar aggregate classification (germline): Benign/Likely benign. Review status: criteria provided, multiple submitters, no conflicts (2 of 4 stars). 13 submissions from 13 submitters: Benign (8); Likely benign (2). 3 of the submissions do not count toward it. Last evaluated 2026-02-04.

Conditions:
Fanconi anemia (FA). Also called: Fanconi's anemia. Identifiers: Orphanet 84, MedGen C0015625, MeSH D005199, MONDO:0019391.
Fanconi anemia complementation group A (FANCA). Also called: Fanconi anemia, group A; FANCA-Related Fanconi Anemia. Identifiers: Orphanet 84, MedGen C3469521, MONDO:0009215, OMIM 227650.

Allele frequency attached by ClinVar (database versions not stated): gnomAD exomes 0.01221; ExAC 0.01530; gnomAD 0.04645 and 0.04972; TOPMed 0.05223; 1000 Genomes Project 0.05331; 1000 Genomes Project 30x 0.05653; ESP Exome Variant Server 0.05709.

Submissions (13):

Labcorp Genetics (formerly Invitae), Labcorp
Classification: Benign for Fanconi anemia. Last evaluated: 2026-02-04. Review status: criteria provided, single submitter. Criteria: Invitae Variant Classification Sherloc (09022015). Collection method: clinical testing. Allele origin: germline.

GeneKor MSA
Classification: Benign for Fanconi anemia complementation group A. Last evaluated: 2025-07-10. Review status: criteria provided, single submitter. Criteria: ACMG Guidelines, 2015. Collection method: clinical testing. Allele origin: germline.

Quest Diagnostics Nichols Institute San Juan Capistrano
Classification: Benign. Last evaluated: 2025-04-04. Review status: criteria provided, single submitter. Criteria: Quest Diagnostics criteria. Collection method: clinical testing. Allele origin: unknown.

ARUP Laboratories, Molecular Genetics and Genomics, ARUP Laboratories
Classification: Benign for Fanconi anemia complementation group A. Last evaluated: 2024-12-20. Review status: criteria provided, single submitter. Criteria: ARUP Molecular Germline Variant Investigation Process 2024. Collection method: clinical testing. Allele origin: germline.

KCCC/NGS Laboratory, Kuwait Cancer Control Center
Classification: Benign for Fanconi anemia complementation group A. Last evaluated: 2023-07-07. Review status: criteria provided, single submitter. Criteria: ACMG Guidelines, 2015. Collection method: clinical testing. Allele origin: germline. Affected: yes.

Mayo Clinic Laboratories, Mayo Clinic
Classification: Benign. Last evaluated: 2021-05-06. Review status: criteria provided, single submitter. Criteria: ACMG Guidelines, 2015. Collection method: clinical testing. Allele origin: germline. Observed: 76 variant alleles.

GeneDx
Classification: Benign. Last evaluated: 2019-03-20. Review status: criteria provided, single submitter. Criteria: GeneDx Variant Classification Process June 2021. Collection method: clinical testing. Allele origin: germline. Affected: yes.

Illumina Laboratory Services, Illumina
Classification: Likely benign for Fanconi anemia complementation group A. Last evaluated: 2017-04-27. Review status: criteria provided, single submitter. Criteria: ICSL Variant Classification Criteria 13 December 2019. Collection method: clinical testing. Allele origin: germline.
Comment: This variant was observed as part of a predisposition screen in an ostensibly healthy population. A literature search was performed for the gene, cDNA change, and amino acid change (where applicable). Publications were found based on this search. The evidence from the literature, in combination with allele frequency data from public databases where available, was sufficient to determine this variant is unlikely to cause disease. Therefore, this variant is classified as likely benign.

Breakthrough Genomics
Classification: Likely benign. Review status: criteria provided, single submitter. Criteria: ACMG Guidelines, 2015. Collection method: not provided. Allele origin: germline. Inheritance: Autosomal recessive inheritance. Affected: yes.

PreventionGenetics, part of Exact Sciences
Classification: Benign. Review status: criteria provided, single submitter. Criteria: ACMG Guidelines, 2015. Collection method: clinical testing. Allele origin: germline.

Natera, Inc.
Classification: Benign for Fanconi anemia, group A. Last evaluated: 2020-09-16. Review status: no assertion criteria provided. Collection method: clinical testing. Allele origin: germline. Not counted in ClinVar's aggregate classification.

Leiden Open Variation Database
Classification: Uncertain significance for Fanconi anemia complementation group A. Last evaluated: 2020-02-28. Review status: no assertion criteria provided. Collection method: curation. Allele origin: germline. Affected: yes. Not counted in ClinVar's aggregate classification.
Comment: Curator: Arleen D. Auerbach. Submitter to LOVD: Arleen D. Auerbach.

ITMI
No classification provided. Condition: AllHighlyPenetrant. Last evaluated: 2013-09-19. Review status: no classification provided. Collection method: reference population. Allele origin: germline. Not counted in ClinVar's aggregate classification.
Comment: Please see associated publication for description of ethnicities

Literature cited by the submitters: PubMed 9371798 (cited by Illumina Laboratory Services, Illumina); PubMed 24728327 (cited by ITMI).

NM_000135.4(FANCA):c.542C>T (p.Ala181Val)

Gene: FANCA (FA complementation group A; minus strand). Cytogenetic location: 16q24.3.
Variant type: single nucleotide variant.
Coding change: c.542C>T on transcript NM_000135.4 (MANE Select); coding-DNA position 542, C replaced by T.
Protein change: p.Ala181Val; replaces alanine 181 with valine.
Molecular consequence: missense variant.
Genome position (GRCh38, 1-based): chr16:89,808,348, G>A on the plus strand (C>T on the coding strand, the complement: FANCA is on the minus strand). VCF-style: chr16-89808348-G-A. GRCh37 (hg19) VCF-style: chr16-89874756-G-A.
Other names: c.542C>T (LRG_495t1, NM_000135.3); c.542C>T, p.Ala181Val (NM_001018112.3, NM_001286167.3); c.446C>T, p.Ala149Val (NM_001351830.2); short protein forms A181V, A149V.
Identifiers: ClinVar variation 134287 (VCV000134287.31), dbSNP rs17232246, ClinGen allele CA159362.
Genomic context (GRCh38, chr16:89,808,348, plus strand): 5'-CGCTACCTTTCCAGCAGCTCTTGCAGGCTCACAATGCCTTGTACGTGAAGATGCCACACC[G>A]CTTCAAGCAACAAAGAACTCTGAAAAACAAAACAAAACAAACAAAAACAAAAACAAAAAA-3'
Protein context (NP_000126.2, residues 171-191): WKIQSSLLLE[Ala181Val]VWHLHVQGIV